The following is an entry in ClinVar:

ClinVar aggregate classification (germline): Uncertain significance. Review status: criteria provided, multiple submitters, no conflicts (2 of 4 stars). 2 submissions from 2 submitters: Uncertain significance (2). Last evaluated 2023-07-21.

Conditions:
Retinitis pigmentosa (RP). Identifiers: Orphanet 791, MedGen C0035334, MeSH D012174, MONDO:0019200, OMIM 268000. Inheritance: Autosomal dominant, autosomal recessive and X linked inheritance.

Allele frequency attached by ClinVar (database versions not stated): gnomAD exomes 0.00001 and 0.00002; gnomAD 0.00002 and 0.00003; ExAC 0.00003; 1000 Genomes Project 0.00020; 1000 Genomes Project 30x 0.00031.
gnomAD v4.1: 15 of 1,614,226 alleles (0.00093%); highest among the groups gnomAD compares: Admixed American, 0.0033%; no homozygotes.

Submissions (2):

Labcorp Genetics (formerly Invitae), Labcorp
Classification: Uncertain significance. Last evaluated: 2023-07-21. Review status: criteria provided, single submitter. Criteria: Invitae Variant Classification Sherloc (09022015). Collection method: clinical testing. Allele origin: germline.
Comment: This sequence change replaces valine, which is neutral and non-polar, with isoleucine, which is neutral and non-polar, at codon 1889 of the SNRNP200 protein (p.Val1889Ile). This variant is present in population databases (rs200367764, gnomAD 0.006%). This variant has not been reported in the literature in individuals affected with SNRNP200-related conditions. ClinVar contains an entry for this variant (Variation ID: 337532). Advanced modeling of protein sequence and biophysical properties (such as structural, functional, and spatial information, amino acid conservation, physicochemical variation, residue mobility, and thermodynamic stability) performed at Invitae indicates that this missense variant is not expected to disrupt SNRNP200 protein function. In summary, the available evidence is currently insufficient to determine the role of this variant in disease. Therefore, it has been classified as a Variant of Uncertain Significance.

Illumina Laboratory Services, Illumina
Classification: Uncertain significance for Retinitis pigmentosa. Last evaluated: 2018-01-13. Review status: criteria provided, single submitter. Criteria: ICSL Variant Classification Criteria 13 December 2019. Collection method: clinical testing. Allele origin: germline.

NM_014014.5(SNRNP200):c.5665G>A (p.Val1889Ile)

Gene: SNRNP200 (small nuclear ribonucleoprotein U5 subunit 200; minus strand). Cytogenetic location: 2q11.2.
Variant type: single nucleotide variant.
Coding change: c.5665G>A on transcript NM_014014.5 (MANE Select); coding-DNA position 5665, G replaced by A.
Protein change: p.Val1889Ile; replaces valine 1889 with isoleucine.
Molecular consequence: missense variant.
Genome position (GRCh38, 1-based): chr2:96,277,896, C>T on the plus strand (G>A on the coding strand, the complement: SNRNP200 is on the minus strand). VCF-style: chr2-96277896-C-T. GRCh37 (hg19) VCF-style: chr2-96943634-C-T.
Other names: short protein forms V1889I.
Identifiers: ClinVar variation 337532 (VCV000337532.14), dbSNP rs200367764, ClinGen allele CA1777913.